The following is an entry in ClinVar:

NM_138477.4(CDAN1):c.134T>C (p.Leu45Pro)

Genes: CDAN1 (codanin 1; minus strand), LOC130056932 (ATAC-STARR-seq lymphoblastoid silent region 6377; plus strand). Cytogenetic location: 15q15.2.
Variant type: single nucleotide variant.
Coding change: c.134T>C on transcript NM_138477.4 (MANE Select); coding-DNA position 134, T replaced by C.
Protein change: p.Leu45Pro; replaces leucine 45 with proline.
Molecular consequence: missense variant.
Genome position (GRCh38, 1-based): chr15:42,736,737, A>G on the plus strand (T>C on the coding strand, the complement: CDAN1 is on the minus strand). VCF-style: chr15-42736737-A-G. GRCh37 (hg19) VCF-style: chr15-43028935-A-G.
Other names: short protein forms L45P.
Identifiers: ClinVar variation 2627476 (VCV002627476.3), dbSNP rs755795979, ClinGen allele CA7516450.
Genomic context (GRCh38, chr15:42,736,737, plus strand): 5'-AGGACGCGGCTGCTCTGCTCCCTCAGGAAGTTCAACAGGAACGGTACGAATTCTTTCCGC[A>G]GGGCCCGGAGTGAGCTCAGCGCGGCCGCCTCCCCAGCGTTATCCTAGGGCAGAAGCACAG-3'
Protein context (NP_612486.2, residues 35-55): EAAALSSLRA[Leu45Pro]RKEFVPFLLN

ClinVar aggregate classification (germline): Uncertain significance. Review status: criteria provided, multiple submitters, no conflicts (2 of 4 stars). 3 submissions from 3 submitters: Uncertain significance (3). Last evaluated 2025-12-10.

Conditions:
Inborn genetic diseases. Identifiers: MedGen C0950123, MeSH D030342.
Anemia, congenital dyserythropoietic, type 1a (CDAN1A). Also called: DYSERYTHROPOIETIC ANEMIA, CONGENITAL, TYPE Ia; CDAN1-Related Congenital Dyserythropoietic Anemia. Identifiers: MedGen C5574667, MONDO:0009135, OMIM 224120.

Allele frequency attached by ClinVar (database versions not stated): gnomAD exomes 0.00001; ExAC 0.00006.
gnomAD v4.1: 21 of 1,557,188 alleles (0.0013%); highest among the groups gnomAD compares: South Asian, 0.02%; no homozygotes.

Submissions (3):

Labcorp Genetics (formerly Invitae), Labcorp
Classification: Uncertain significance. Last evaluated: 2025-12-10. Review status: criteria provided, single submitter. Criteria: Invitae Variant Classification Sherloc (09022015). Collection method: clinical testing. Allele origin: germline.
Comment: This sequence change replaces leucine, which is neutral and non-polar, with proline, which is neutral and non-polar, at codon 45 of the CDAN1 protein (p.Leu45Pro). The frequency data for this variant in the population databases is considered unreliable, as metrics indicate poor data quality at this position in the gnomAD database. This variant has not been reported in the literature in individuals affected with CDAN1-related conditions. ClinVar contains an entry for this variant (Variation ID: 2627476). An algorithm developed to predict the effect of missense changes on protein structure and function (PolyPhen-2) suggests that this variant is likely to be tolerated. In summary, the available evidence is currently insufficient to determine the role of this variant in disease. Therefore, it has been classified as a Variant of Uncertain Significance.

Ambry Genetics
Classification: Uncertain significance for Inborn genetic diseases. Last evaluated: 2025-06-06. Review status: criteria provided, single submitter. Criteria: Ambry Variant Classification Scheme 2023. Collection method: clinical testing. Allele origin: germline.

Neuberg Centre For Genomic Medicine, NCGM
Classification: Uncertain significance for Anemia, congenital dyserythropoietic, type 1a. Review status: criteria provided, single submitter. Criteria: ACMG Guidelines, 2015. Collection method: clinical testing. Allele origin: germline. Inheritance: Autosomal recessive inheritance. Affected: yes.
Comment: The missense variant p.L45P in CDAN1 (NM_138477.4) has not been reported previously as a pathogenic variant nor as a benign variant, to our knowledge. The p.L45P variant is observed in 4/22,582 (0.0177%) alleles from individuals of South Asian background in gnomAD Exomes and is novel (not in any individuals) in 1000 Genomes. The p.L45P missense variant is predicted to be damaging by both SIFT and PolyPhen2. The leucine residue at codon 45 of CDAN1 is conserved in all mammalian species. The nucleotide c.134 in CDAN1 is predicted conserved by GERP++ and PhyloP across 100 vertebrates. For these reasons, this variant has been classified as Uncertain Significance.